The following is an entry in ClinVar:

NM_001355436.2(SPTB):c.4399del (p.Pro1466_Leu1467insTer)

Gene: SPTB (spectrin beta, erythrocytic; minus strand). Cytogenetic location: 14q23.3.
Variant type: Deletion.
Coding change: c.4399del on transcript NM_001355436.2 (MANE Select); coding-DNA position 4399, one base deleted (C; older notation c.4399delC).
Protein change: p.Pro1466_Leu1467insTer.
Molecular consequence: nonsense.
Genome position (GRCh38, 1-based): chr14:64,779,799, G deleted on the plus strand (C on the coding strand, the reverse complement: SPTB is on the minus strand); the first of 4 consecutive G bases (chr14:64,779,799-64,779,802); deleting any one gives the same sequence. VCF-style (leftmost placement, unchanged base first): chr14-64779798-AG-A. GRCh37 (hg19) VCF-style: chr14-65246516-AG-A.
Other names: c.4399del, p.Pro1466_Leu1467insTer (NM_001024858.4, NM_001355437.2); c.4399delC (NM_001024858.2).
Identifiers: ClinVar variation 1325136 (VCV001325136.5), dbSNP rs2139533161, ClinGen allele CA2573053934.

ClinVar aggregate classification (germline): Likely pathogenic. Review status: criteria provided, single submitter (1 of 4 stars). 2 submissions from 2 submitters: Likely pathogenic (1). 1 of the submissions does not count toward it. Last evaluated 2022-05-25.

Conditions:
SPTB-related disorder. Also called: SPTB-related condition; SPTB-Related Disorders.

Submissions (2):

Revvity Omics, Revvity
Classification: Likely pathogenic. Last evaluated: 2022-05-25. Review status: criteria provided, single submitter. Criteria: ACMG Guidelines, 2015. Collection method: clinical testing. Allele origin: germline.

PreventionGenetics, part of Exact Sciences
Classification: Pathogenic for SPTB-related condition. Last evaluated: 2024-04-12. Review status: no assertion criteria provided. Collection method: clinical testing. Allele origin: germline. Not counted in ClinVar's aggregate classification.
Comment: The SPTB c.4399delC variant is predicted to result in an in-frame deletion (p.Leu1467fs). To our knowledge, this variant has not been reported in the literature or in a large population database, indicating this variant is rare. Frameshift variants in SPTB are expected to be pathogenic. This variant is interpreted as pathogenic.